The following is an entry in ClinVar:

NM_016239.4(MYO15A):c.3881T>C (p.Val1294Ala)

Gene: MYO15A (myosin XVA; plus strand). Cytogenetic location: 17p11.2.
Variant type: single nucleotide variant.
Coding change: c.3881T>C on transcript NM_016239.4 (MANE Select); coding-DNA position 3881, T replaced by C.
Protein change: p.Val1294Ala; replaces valine 1294 with alanine.
Molecular consequence: missense variant.
Genome position (GRCh38, 1-based): chr17:18,126,805, T>C. VCF-style: chr17-18126805-T-C. GRCh37 (hg19) VCF-style: chr17-18030119-T-C.
Other names: short protein forms V1294A.
Identifiers: ClinVar variation 1966369 (VCV001966369.5), dbSNP rs2545208021, ClinGen allele CA398590538.
Genomic context (GRCh38, chr17:18,126,805, plus strand): 5'-TGGGAGCTTAGAGGCAGGGGCCAGCTCTAATGACCTGTCTCCCCAGGCACCTCTTTGCTG[T>C]TGCAAATCTCGCCTTCGCCAAAATGCTCGATGCCAAACAGAACCAGTGCATAATCATTAG-3'
Protein context (NP_057323.3, residues 1284-1304): LGENPPHLFA[Val1294Ala]ANLAFAKMLD

ClinVar aggregate classification (germline): Uncertain significance (1 of 4 stars; one submission).

gnomAD v4.1: 1 of 1,613,704 alleles (0.000062%); no homozygotes.

Submission:

Labcorp Genetics (formerly Invitae), Labcorp
Classification: Uncertain significance. Last evaluated: 2022-07-19. Review status: criteria provided, single submitter. Criteria: Invitae Variant Classification Sherloc (09022015). Collection method: clinical testing. Allele origin: germline.
Comment: In summary, the available evidence is currently insufficient to determine the role of this variant in disease. Therefore, it has been classified as a Variant of Uncertain Significance. Advanced modeling of protein sequence and biophysical properties (such as structural, functional, and spatial information, amino acid conservation, physicochemical variation, residue mobility, and thermodynamic stability) performed at Invitae indicates that this missense variant is not expected to disrupt MYO15A protein function. This variant has not been reported in the literature in individuals affected with MYO15A-related conditions. This variant is not present in population databases (gnomAD no frequency). This sequence change replaces valine, which is neutral and non-polar, with alanine, which is neutral and non-polar, at codon 1294 of the MYO15A protein (p.Val1294Ala).